The following is an entry in ClinVar:

NM_020923.3(ZDBF2):c.6646C>T (p.Arg2216Trp)

Gene: ZDBF2 (zinc finger DBF-type containing 2; plus strand). Cytogenetic location: 2q33.3.
Variant type: single nucleotide variant.
Coding change: c.6646C>T on transcript NM_020923.3 (MANE Select); coding-DNA position 6646, C replaced by T.
Protein change: p.Arg2216Trp; replaces arginine 2216 with tryptophan.
Molecular consequence: missense variant.
Genome position (GRCh38, 1-based): chr2:206,311,174, C>T. VCF-style: chr2-206311174-C-T. GRCh37 (hg19) VCF-style: chr2-207175898-C-T.
Other names: c.6640C>T, p.Arg2214Trp (NM_001285549.2); c.6646C>T, p.Arg2216Trp (NM_001369654.1); short protein forms R2214W, R2216W.
Identifiers: ClinVar variation 3334184 (VCV003334184.2).

ClinVar aggregate classification (germline): Uncertain significance. Review status: criteria provided, multiple submitters, no conflicts (2 of 4 stars). 2 submissions from 2 submitters: Uncertain significance (2). Last evaluated 2025-03-24.

gnomAD v4.1: 1,086 of 1,612,140 alleles (0.067%); highest among the groups gnomAD compares: Non-Finnish European, 0.085%; no homozygotes.

Submissions (2):

Labcorp Genetics (formerly Invitae), Labcorp
Classification: Uncertain significance. Last evaluated: 2025-03-24. Review status: criteria provided, single submitter. Criteria: Invitae Variant Classification Sherloc (09022015). Collection method: clinical testing. Allele origin: germline.
Comment: This sequence change replaces arginine, which is basic and polar, with tryptophan, which is neutral and slightly polar, at codon 2216 of the ZDBF2 protein (p.Arg2216Trp). This variant is present in population databases (rs183017282, gnomAD 0.1%), and has an allele count higher than expected for a pathogenic variant. This variant has not been reported in the literature in individuals affected with ZDBF2-related conditions. ClinVar contains an entry for this variant (Variation ID: 3334184). An algorithm developed to predict the effect of missense changes on protein structure and function outputs the following: PolyPhen-2: "Benign". The tryptophan amino acid residue is found in multiple mammalian species, which suggests that this missense change does not adversely affect protein function. In summary, the available evidence is currently insufficient to determine the role of this variant in disease. Therefore, it has been classified as a Variant of Uncertain Significance.

Ambry Genetics
Classification: Uncertain significance. Last evaluated: 2024-04-30. Review status: criteria provided, single submitter. Criteria: Ambry Variant Classification Scheme 2023. Collection method: clinical testing. Allele origin: germline.